The following is an entry in ClinVar:

ClinVar aggregate classification (germline): Likely benign (1 of 4 stars; one submission).

Conditions:
TUB-related disorder. Also called: TUB-related condition.

Submission:

PreventionGenetics, part of Exact Sciences
Classification: Likely benign for TUB-related condition. Last evaluated: 2025-01-28. Review status: criteria provided, single submitter. Criteria: ACMG Guidelines, 2015. Collection method: clinical testing. Allele origin: germline.
Comment: This variant is classified as likely benign based on ACMG/AMP sequence variant interpretation guidelines (Richards et al. 2015 PMID: 25741868, with internal and published modifications).

NM_177972.3(TUB):c.906G>A (p.Arg302=)

Genes: RIC3 (RIC3 acetylcholine receptor chaperone; minus strand), TUB (TUB bipartite transcription factor; plus strand). Cytogenetic location: 11p15.4.
Variant type: single nucleotide variant.
Coding change: c.906G>A on transcript NM_177972.3 (MANE Select); coding-DNA position 906, G replaced by A.
Protein change: p.Arg302=; no amino-acid change (arginine 302 retained).
Molecular consequence: synonymous variant.
Genome position (GRCh38, 1-based): chr11:8,097,734, G>A. VCF-style: chr11-8097734-G-A. GRCh37 (hg19) VCF-style: chr11-8119281-G-A.
Other names: c.924G>A, p.Arg308= (NM_001440538.1, NM_001440539.1); c.756G>A, p.Arg252= (NM_001440540.1, NM_001440542.1); c.738G>A, p.Arg246= (NM_001440541.1); c.1071G>A, p.Arg357= (NM_003320.5).
Identifiers: ClinVar variation 4997912 (VCV004997912.1).